The following is an entry in ClinVar:

NM_004517.4(ILK):c.632G>A (p.Arg211His)

Genes: TAF10 (TATA-box binding protein associated factor 10; minus strand), ILK (integrin linked kinase; plus strand). Cytogenetic location: 11p15.4.
Variant type: single nucleotide variant.
Coding change: c.632G>A on transcript NM_004517.4 (MANE Select); coding-DNA position 632, G replaced by A.
Protein change: p.Arg211His; replaces arginine 211 with histidine.
Molecular consequence: missense variant. On other transcripts: 3 prime UTR variant (1).
Genome position (GRCh38, 1-based): chr11:6,609,312, G>A. VCF-style: chr11-6609312-G-A. GRCh37 (hg19) VCF-style: chr11-6630543-G-A.
Other names: c.632G>A, p.Arg211His (NM_001014794.3, NM_001014795.3); c.449G>A, p.Arg150His (NM_001278441.2); c.230G>A, p.Arg77His (NM_001278442.2); c.*1610C>T (NM_006284.4); short protein forms R211H, R150H, R77H.
Identifiers: ClinVar variation 517629 (VCV000517629.15), dbSNP rs200288502, ClinGen allele CA5858136.

ClinVar aggregate classification (germline): Conflicting classifications of pathogenicity. Review status: criteria provided, conflicting classifications (1 of 4 stars). 3 submissions from 3 submitters: Uncertain significance (2); Likely benign (1). Last evaluated 2025-12-15.

Conditions:
Primary familial hypertrophic cardiomyopathy (HCM). Identifiers: Orphanet 99739, MedGen C0949658, MeSH D024741, MONDO:0024573. Inheritance: Various modes of inheritance.

Allele frequency attached by ClinVar (database versions not stated): gnomAD 0.00001 and 0.00004; TOPMed 0.00003; gnomAD exomes 0.00009 and 0.00010; ExAC 0.00012; 1000 Genomes Project 30x 0.00047; 1000 Genomes Project 0.00060.

Submissions (3):

Labcorp Genetics (formerly Invitae), Labcorp
Classification: Uncertain significance for Primary familial hypertrophic cardiomyopathy. Last evaluated: 2025-12-15. Review status: criteria provided, single submitter. Criteria: Invitae Variant Classification Sherloc (09022015). Collection method: clinical testing. Allele origin: germline.
Comment: This sequence change replaces arginine, which is basic and polar, with histidine, which is basic and polar, at codon 211 of the ILK protein (p.Arg211His). This variant is present in population databases (rs200288502, gnomAD 0.04%), and has an allele count higher than expected for a pathogenic variant. This variant has not been reported in the literature in individuals affected with ILK-related conditions. ClinVar contains an entry for this variant (Variation ID: 517629). An algorithm developed to predict the effect of missense changes on protein structure and function (PolyPhen-2) suggests that this variant is likely to be tolerated. In summary, the available evidence is currently insufficient to determine the role of this variant in disease. Therefore, it has been classified as a Variant of Uncertain Significance.

Ambry Genetics
Classification: Likely benign. Last evaluated: 2025-08-20. Review status: criteria provided, single submitter. Criteria: Ambry Variant Classification Scheme 2023. Collection method: clinical testing. Allele origin: germline.

Laboratory for Molecular Medicine, Mass General Brigham Personalized Medicine
Classification: Uncertain significance. Last evaluated: 2017-10-10. Review status: criteria provided, single submitter. Criteria: LMM Criteria. Collection method: clinical testing. Allele origin: germline. Observed: 1 variant allele.
Comment: The p.Arg211His variant in ILK has not been previously reported in individuals w ith cardiomyopathy, but has been identified in 11/30782 of South Asian chromosom es by the Genome Aggregation Database (gnomAD; dbSNP rs200288502). Computational prediction tools and conservation analysis do not provide strong support for or against an impact to the protein. In summary, the clinical significance of the p.Arg211His variant is uncertain. ACMG/AMP Cri teria applied: None (Richards 2015).